The following is an entry in ClinVar:

ClinVar aggregate classification (germline): Uncertain significance (1 of 4 stars; one submission).

Conditions:
RASopathy. Also called: Noonan spectrum disorder; rasopathies. Identifiers: Orphanet 536391, MedGen C5555857, MONDO:0021060.

Submission:

Labcorp Genetics (formerly Invitae), Labcorp
Classification: Uncertain significance for RASopathy. Last evaluated: 2021-05-07. Review status: criteria provided, single submitter. Criteria: Invitae Variant Classification Sherloc (09022015). Collection method: clinical testing. Allele origin: germline.
Comment: In summary, the available evidence is currently insufficient to determine the role of this variant in disease. Therefore, it has been classified as a Variant of Uncertain Significance. This variant has not been reported in the literature in individuals with SOS1-related conditions. This variant results in a copy number gain of the genomic region encompassing exon(s) 1-4 of the SOS1 gene. This region includes the initiator codon of the gene. The 5' end of this event is unknown as it extends beyond the assayed region for this gene and therefore may encompass additional genes. The 3' boundary is likely confined to intron 4 of the SOS1 gene. As the precise location of this event is unknown, it may be in tandem or it may be located elsewhere in the genome.

NC_000002.11:g.(?_39283823)_(39347563_?)dup

Gene: SOS1 (SOS Ras/Rac guanine nucleotide exchange factor 1; minus strand). Cytogenetic location: 2p22.1.
Variant type: Duplication.
Identifiers: ClinVar variation 1411393 (VCV001411393.4).